The following is an entry in ClinVar:

NM_000059.4(BRCA2):c.2461G>A (p.Val821Ile)

Gene: BRCA2 (BRCA2 DNA repair associated; plus strand). Cytogenetic location: 13q13.1.
Variant type: single nucleotide variant.
Coding change: c.2461G>A on transcript NM_000059.4 (MANE Select); coding-DNA position 2461, G replaced by A.
Protein change: p.Val821Ile; replaces valine 821 with isoleucine.
Molecular consequence: missense variant.
Genome position (GRCh38, 1-based): chr13:32,336,816, G>A. VCF-style: chr13-32336816-G-A. GRCh37 (hg19) VCF-style: chr13-32910953-G-A.
Other names: short protein forms V821I.
Identifiers: ClinVar variation 483080 (VCV000483080.21), dbSNP rs756411508, ClinGen allele CA6940607.

ClinVar aggregate classification (germline): Conflicting classifications of pathogenicity. Review status: criteria provided, conflicting classifications (1 of 4 stars). 8 submissions from 8 submitters: Uncertain significance (5); Likely benign (2). 1 of the submissions does not count toward it. Last evaluated 2025-11-10.

Conditions:
Hereditary breast ovarian cancer syndrome. Also called: Hereditary breast and ovarian cancer syndrome; Hereditary breast and ovarian cancer; Hereditary breast and ovarian cancer syndrome (HBOC); Breast and ovarian cancer; Hereditary breast and/or ovarian cancer syndrome; BRCA1- and BRCA2-Associated Hereditary Breast and Ovarian Cancer. Identifiers: Orphanet 145, MedGen C0677776, MeSH D061325, MONDO:0003582. Disease mechanism: loss of function.
Hereditary cancer-predisposing syndrome. Also called: Neoplastic Syndromes, Hereditary; Tumor predisposition; Hereditary Cancer Syndrome; Hereditary neoplastic syndrome. Identifiers: Orphanet 140162, MedGen C0027672, MeSH D009386, MONDO:0015356.

Allele frequency attached by ClinVar (database versions not stated): TOPMed below 0.00001; gnomAD exomes 0.00001; ExAC 0.00002.
gnomAD v4.1: 5 of 1,605,552 alleles (0.00031%); highest among the groups gnomAD compares: East Asian, 0.0022%; no homozygotes.

Submissions (8):

Women's Health and Genetics/Laboratory Corporation of America, LabCorp
Classification: Uncertain significance. Last evaluated: 2025-11-10. Review status: criteria provided, single submitter. Criteria: LabCorp Variant Classification Summary - May 2015. Collection method: clinical testing. Allele origin: germline.
Comment: Variant summary: BRCA2 c.2461G>A (p.Val821Ile) results in a conservative amino acid change in the encoded protein sequence. Algorithms developed to predict the effect of missense changes on protein structure and function all suggest that this variant is likely to be tolerated. The variant allele was found at a frequency of 8.2e-06 in 242648 control chromosomes. The available data on variant occurrences in the general population are insufficient to allow any conclusion about variant significance. c.2461G>A has been observed in individual(s) affected with Hereditary Breast And Ovarian Cancer Syndrome as well as controls (Momozawa_2018). These report(s) do not provide unequivocal conclusions about association of the variant with Hereditary Breast And Ovarian Cancer Syndrome. To our knowledge, no experimental evidence demonstrating an impact on protein function has been reported. The following publication have been ascertained in the context of this evaluation (PMID: 30287823). ClinVar contains an entry for this variant (Variation ID: 483080). Based on the evidence outlined above, the variant was classified as uncertain significance.

Labcorp Genetics (formerly Invitae), Labcorp
Classification: Uncertain significance for Hereditary breast ovarian cancer syndrome. Last evaluated: 2025-10-28. Review status: criteria provided, single submitter. Criteria: Invitae Variant Classification Sherloc (09022015). Collection method: clinical testing. Allele origin: germline.
Comment: This sequence change replaces valine, which is neutral and non-polar, with isoleucine, which is neutral and non-polar, at codon 821 of the BRCA2 protein (p.Val821Ile). This variant is present in population databases (rs756411508, gnomAD 0.006%). This missense change has been observed in individual(s) with a personal and/or family history of breast and/or ovarian cancer (PMID: 28111427). ClinVar contains an entry for this variant (Variation ID: 483080). Invitae Evidence Modeling of protein sequence and biophysical properties (such as structural, functional, and spatial information, amino acid conservation, physicochemical variation, residue mobility, and thermodynamic stability) indicates that this missense variant is not expected to disrupt BRCA2 protein function with a negative predictive value of 95%. In summary, the available evidence is currently insufficient to determine the role of this variant in disease. Therefore, it has been classified as a Variant of Uncertain Significance.

Color Diagnostics, LLC DBA Color Health
Classification: Uncertain significance for Hereditary cancer-predisposing syndrome. Last evaluated: 2025-07-15. Review status: criteria provided, single submitter. Criteria: ACMG Guidelines, 2015. Collection method: clinical testing. Allele origin: germline.
Comment: This missense variant replaces valine with isoleucine at codon 821 of the BRCA2 protein. Computational prediction suggests that this variant may not impact protein structure and function. To our knowledge, functional studies have not been reported for this variant. This variant has been reported in an individual affected with ovarian cancer with an unspecified pathogenic co-variant (PMID: 22711857) and in a suspected hereditary breast and ovarian cancer family (PMID: 28111427). This variant has been reported in male breast cancer and prostate cancer case-control studies, where it is absent in cancer cases and present in 2 unaffected control individuals (PMID: 30287823, 31214711). This variant also has been reported in a pancreatic cancer case-control study in 1/1005 cases and 2/23705 unaffected individuals (PMID: 32980694), and it has been detected in a breast cancer case-control meta-analysis in 1/60466 cases and 2/53461 unaffected individuals (PMID: 33471991Leiden Open Variation Database DB-ID BRCA2_002365). This variant has been identified in 2/242648 chromosomes in the general population by the Genome Aggregation Database (gnomAD). The available evidence is insufficient to determine the role of this variant in disease conclusively. Therefore, this variant is classified as a Variant of Uncertain Significance.

University of Washington Department of Laboratory Medicine, University of Washington
Classification: Likely benign for Hereditary cancer-predisposing syndrome. Last evaluated: 2023-03-23. Review status: criteria provided, single submitter. Criteria: Dines et al. (Genet Med. 2020). Collection method: curation. Allele origin: germline.
Comment: Missense variant in a coldspot region where missense variants are very unlikely to be pathogenic (PMID:31911673).

BRCA2 exon 11 coldspot. Reclassification based on statistical prior probability.

GeneDx
Classification: Uncertain significance. Last evaluated: 2019-10-28. Review status: criteria provided, single submitter. Criteria: GeneDx Variant Classification Process June 2021. Collection method: clinical testing. Allele origin: germline. Affected: yes.
Comment: In silico analysis, which includes protein predictors and evolutionary conservation, supports that this variant does not alter protein structure/function; Observed in a control subject and in no cases in a breast cancer case/control study (Momozawa 2018); This variant is associated with the following publications: (PMID: 30287823)

Ambry Genetics
Classification: Likely benign for Hereditary cancer-predisposing syndrome. Last evaluated: 2018-10-29. Review status: criteria provided, single submitter. Criteria: Ambry Variant Classification Scheme 2023. Collection method: clinical testing. Allele origin: germline.

CSER _CC_NCGL, University of Washington
Classification: Uncertain significance for Hereditary breast and ovarian cancer. Last evaluated: 2016-10-01. Review status: criteria provided, single submitter. Criteria: Amendola et al. (Genome Res. 2015). Collection method: research. Allele origin: germline. Affected: no. Study: CSER - NEXT Medicine variant annotation.
Comment: This interpretation considers GERP score and allele frequency data, in addition to published reports of the variant in the literature, available at the time of review.

Department of Pathology and Laboratory Medicine, Sinai Health System
Classification: Uncertain significance. Review status: no assertion criteria provided. Collection method: clinical testing. Allele origin: unknown. Affected: yes. Study: The Canadian Open Genetics Repository (COGR). Not counted in ClinVar's aggregate classification.
Comment: The BRCA2 p.Val821Ile variant was identified in 1 of 1596 proband chromosomes (frequency: 0.0006) from individuals or families with hereditary breast and ovarian cancer and was present in 2 of 24980 control chromosomes (frequency: 0.00008) from healthy individuals (Park 2017, Momozawa 2018). The variant was also identified in dbSNP (ID: rs756411508) as "With Uncertain significance allele", in ClinVar (3x as Uncertain significance by Invitae and two other submitters, 1x as likely benign by Ambry Genetics), LOVD 3.0, and in the UMD-LSDB (2 records of unknown clinical significance) database. It was also identified in control databases in 2 of 242648 chromosomes at a frequency of 0.000008 (Genome Aggregation Database Feb 27, 2017). The variant was observed in the following populations: European in 1 of 111180 chromosomes (freq: 0.000009) and East Asian in 1 of 17926 chromosomes (freq: 0.00006), while the variant was not observed in the African, Other, Latino, Ashkenazi Jewish, Finnish or South Asian populations. The p.Val821 residue is not conserved in mammals and computational analyses (PolyPhen-2, SIFT, AlignGVGD, BLOSUM, MutationTaster) do not suggest a high likelihood of impact to the protein; however, this information is not predictive enough to rule out pathogenicity. The variant occurs outside of the splicing consensus sequence and 3 of 4 in silico or computational prediction software programs (SpliceSiteFinder, MaxEntScan, NNSPLICE, GeneSplicer) predict a greater than 10% difference in splicing. However, this information is not predictive enough to assume pathogenicity. In summary, based on the above information the clinical significance of this variant cannot be determined with certainty at this time. This variant is classified as a variant of uncertain significance.

Literature cited by the submitters: PubMed 30287823 (cited by Women's Health and Genetics/Laboratory Corporation of America, LabCorp and Color Diagnostics, LLC DBA Color Health); PubMed 28111427 (cited by Labcorp Genetics (formerly Invitae), Labcorp and Color Diagnostics, LLC DBA Color Health); PubMed 22711857 (cited by Color Diagnostics, LLC DBA Color Health); PubMed 31214711 (cited by Color Diagnostics, LLC DBA Color Health); PubMed 32980694 (cited by Color Diagnostics, LLC DBA Color Health); PubMed 33471991 (cited by Color Diagnostics, LLC DBA Color Health).